The following is an entry in ClinVar:

ClinVar aggregate classification (germline): Conflicting classifications of pathogenicity. Review status: criteria provided, conflicting classifications (1 of 4 stars). 3 submissions from 1 submitter: Uncertain significance (2); Likely benign (1). Last evaluated 2018-01-12.

Conditions:
Autosomal recessive nonsyndromic hearing loss 2. Also called: DEAFNESS, AUTOSOMAL RECESSIVE 2; NEUROSENSORY NONSYNDROMIC RECESSIVE DEAFNESS 2. Identifiers: Orphanet 90636, MedGen C1838701, MONDO:0010807, OMIM 600060.
Autosomal dominant nonsyndromic hearing loss 11. Identifiers: Orphanet 90635, MedGen C1832475, MONDO:0011032, OMIM 601317.
Usher syndrome type 1 (USH1). Also called: RETINITIS PIGMENTOSA AND CONGENITAL DEAFNESS. Identifiers: Orphanet 231169, Orphanet 886, MedGen C1568247, MONDO:0010168, OMIM 276900.

Allele frequency attached by ClinVar (database versions not stated): 1000 Genomes Project 30x 0.00078; 1000 Genomes Project 0.00080; TOPMed 0.00127; gnomAD 0.00133 and 0.00137.

Submissions (3):

Illumina Laboratory Services, Illumina
Classification: Uncertain significance for Usher syndrome type 1. Last evaluated: 2018-01-12. Review status: criteria provided, single submitter. Criteria: ICSL Variant Classification Criteria 13 December 2019. Collection method: clinical testing. Allele origin: germline.

Illumina Laboratory Services, Illumina
Classification: Uncertain significance for Autosomal recessive nonsyndromic hearing loss 2. Last evaluated: 2018-01-12. Review status: criteria provided, single submitter. Criteria: ICSL Variant Classification Criteria 13 December 2019. Collection method: clinical testing. Allele origin: germline.

Illumina Laboratory Services, Illumina
Classification: Likely benign for Autosomal dominant nonsyndromic hearing loss 11. Last evaluated: 2018-01-12. Review status: criteria provided, single submitter. Criteria: ICSL Variant Classification Criteria 13 December 2019. Collection method: clinical testing. Allele origin: germline.
Comment: This variant was observed in the ICSL laboratory as part of a predisposition screen in an ostensibly healthy population. It had not been previously curated by ICSL or reported in the Human Gene Mutation Database (HGMD: prior to June 1st, 2018), and was therefore a candidate for classification through an automated scoring system. Utilizing variant allele frequency, disease prevalence and penetrance estimates, and inheritance mode, an automated score was calculated to assess if this variant is too frequent to cause the disease. Based on the score and internal cut-off values, a variant classified as likely benign is not then subjected to further curation. The score for this variant resulted in a classification of likely benign for this disease.

NM_000260.4(MYO7A):c.-211A>G

Gene: MYO7A (myosin VIIA; plus strand). Cytogenetic location: 11q13.5.
Variant type: single nucleotide variant.
Coding change: c.-211A>G on transcript NM_000260.4 (MANE Select); 211 bases upstream of the start codon, A replaced by G.
Molecular consequence: 5 prime UTR variant.
Genome position (GRCh38, 1-based): chr11:77,128,325, A>G. VCF-style: chr11-77128325-A-G. GRCh37 (hg19) VCF-style: chr11-76839371-A-G.
Other names: c.-211A>G (NM_001127180.2); c.-324A>G (NM_001369365.1).
Identifiers: ClinVar variation 306146 (VCV000306146.5), dbSNP rs41298129, ClinGen allele CA10635686.